The following is an entry in ClinVar:

ClinVar aggregate classification (germline): Uncertain significance (1 of 4 stars; one submission).

gnomAD v4.1: 6 of 1,614,112 alleles (0.00037%); highest among the groups gnomAD compares: Middle Eastern, 0.033%; no homozygotes.

Submission:

Labcorp Genetics (formerly Invitae), Labcorp
Classification: Uncertain significance. Last evaluated: 2025-07-06. Review status: criteria provided, single submitter. Criteria: Invitae Variant Classification Sherloc (09022015). Collection method: clinical testing. Allele origin: germline.
Comment: This sequence change replaces proline, which is neutral and non-polar, with leucine, which is neutral and non-polar, at codon 862 of the SIN3A protein (p.Pro862Leu). This variant is present in population databases (rs779742094, gnomAD 0.002%). This missense change has been observed in individual(s) with clinical features of SIN3A-related conditions (PMID: 27824329, 28714951, 31785789, 35982159, 35982160). Invitae Evidence Modeling of protein sequence and biophysical properties (such as structural, functional, and spatial information, amino acid conservation, physicochemical variation, residue mobility, and thermodynamic stability) indicates that this missense variant is not expected to disrupt SIN3A protein function with a negative predictive value of 80%. In summary, the available evidence is currently insufficient to determine the role of this variant in disease. Therefore, it has been classified as a Variant of Uncertain Significance.

Literature cited by the submitters: PubMed 27824329; PubMed 28714951; PubMed 31785789; PubMed 35982159; PubMed 35982160.

NM_001145358.2(SIN3A):c.2585C>T (p.Pro862Leu)

Gene: SIN3A (SIN3 transcription regulator family member A; minus strand). Cytogenetic location: 15q24.2.
Variant type: single nucleotide variant.
Coding change: c.2585C>T on transcript NM_001145358.2 (MANE Select); coding-DNA position 2585, C replaced by T.
Protein change: p.Pro862Leu; replaces proline 862 with leucine.
Molecular consequence: missense variant.
Genome position (GRCh38, 1-based): chr15:75,392,508, G>A on the plus strand (C>T on the coding strand, the complement: SIN3A is on the minus strand). VCF-style: chr15-75392508-G-A. GRCh37 (hg19) VCF-style: chr15-75684849-G-A.
Other names: c.2585C>T, p.Pro862Leu (NM_001145357.2, NM_001437462.1, NM_001437463.1 and 1 more transcripts); short protein forms P862L.
Identifiers: ClinVar variation 4710197 (VCV004710197.1).